The following is an entry in ClinVar:

NM_001845.6(COL4A1):c.1081A>C (p.Lys361Gln)

Gene: COL4A1 (collagen type IV alpha 1 chain; minus strand). Cytogenetic location: 13q34.
Variant type: single nucleotide variant.
Coding change: c.1081A>C on transcript NM_001845.6 (MANE Select); coding-DNA position 1081, A replaced by C.
Protein change: p.Lys361Gln; replaces lysine 361 with glutamine.
Molecular consequence: missense variant.
Genome position (GRCh38, 1-based): chr13:110,201,441, T>G on the plus strand (A>C on the coding strand, the complement: COL4A1 is on the minus strand). VCF-style: chr13-110201441-T-G. GRCh37 (hg19) VCF-style: chr13-110853788-T-G.
Other names: c.1081A>C, p.Lys361Gln (NM_001303110.2); short protein forms K361Q.
Identifiers: ClinVar variation 932001 (VCV000932001.5), dbSNP rs1879231791, ClinGen allele CA388724323.
Genomic context (GRCh38, chr13:110,201,441, plus strand): 5'-GGAGGAGGAGAGAAGGAGGGGGAGTAGGAGGAGGGGGGAAAAAGGCAAGAAAGCTACCTT[T>G]TGGGCCTGGCTCTCCTCTTGGCCCCGGAGTTCCAGGGTAGCCCCTCTCTCCTTTTTCTCC-3'
Protein context (NP_001836.3, residues 351-371): TPGPRGEPGP[Lys361Gln]GFPGLPGQPG

ClinVar aggregate classification (germline): Uncertain significance (1 of 4 stars; one submission).

Conditions:
Brain small vessel disease 1 with or without ocular anomalies (BSVD1). Also called: GOULD SYNDROME 1; PORENCEPHALY, TYPE 1, AUTOSOMAL DOMINANT; Brain small vessel disease with or without ocular anomalies; BRAIN SMALL VESSEL DISEASE WITH HEMORRHAGE. Identifiers: Orphanet 2940, Orphanet 36383, Orphanet 99810, MedGen C4755307, MONDO:0008289, OMIM 175780.

Submission:

Centre for Mendelian Genomics, University Medical Centre Ljubljana
Classification: Uncertain significance for Brain small vessel disease 1 with or without ocular anomalies. Last evaluated: 2019-02-13. Review status: criteria provided, single submitter. Criteria: ACMG Guidelines, 2015. Collection method: clinical testing. Allele origin: unknown. Affected: yes.
Comment: This variant was classified as: Uncertain significance. The available evidence on this variant's pathogenicity is insufficient or conflicting. The following ACMG criteria were applied in classifying this variant: PM2,PP2.